The following is an entry in ClinVar:

NM_001287491.2(TET3):c.2597A>G (p.Lys866Arg)

Gene: TET3 (tet methylcytosine dioxygenase 3; plus strand). Cytogenetic location: 2p13.1.
Variant type: single nucleotide variant.
Coding change: c.2597A>G on transcript NM_001287491.2 (MANE Select); coding-DNA position 2597, A replaced by G.
Protein change: p.Lys866Arg; replaces lysine 866 with arginine.
Molecular consequence: missense variant.
Genome position (GRCh38, 1-based): chr2:74,080,509, A>G. VCF-style: chr2-74080509-A-G. GRCh37 (hg19) VCF-style: chr2-74307636-A-G.
Other names: c.2318A>G, p.Lys773Arg (NM_001366022.1); short protein forms K773R, K866R.
Identifiers: ClinVar variation 1314336 (VCV001314336.2), dbSNP rs957551558, ClinGen allele CA50435863.

ClinVar aggregate classification (germline): Uncertain significance (1 of 4 stars; one submission).

Allele frequency attached by ClinVar (database versions not stated): gnomAD 0.00001; TOPMed 0.00001.
gnomAD v4.1: 1 of 1,612,676 alleles (0.000062%); highest among the groups gnomAD compares: African/African-American, 0.0013%; no homozygotes.

Submission:

GeneDx
Classification: Uncertain significance. Last evaluated: 2021-04-13. Review status: criteria provided, single submitter. Criteria: GeneDx Variant Classification Process June 2021. Collection method: clinical testing. Allele origin: germline. Affected: yes.
Comment: Not observed in large population cohorts (Lek et al., 2016); In silico analysis supports that this missense variant has a deleterious effect on protein structure/function; Has not been previously published as pathogenic or benign to our knowledge